The following is an entry in ClinVar:

NC_000022.11:g.21126512G>A

Variant type: single nucleotide variant.
Genome position: GRCh38 VCF-style: chr22-21126512-G-A. GRCh37 (hg19) VCF-style: chr22-21480801-G-A.
Identifiers: ClinVar variation 3026439 (VCV003026439.22), dbSNP rs1468283508, ClinGen allele CA513715008.

ClinVar aggregate classification (germline): Likely benign (1 of 4 stars; one submission).

Submission:

CeGaT Center for Human Genetics Tuebingen
Classification: Likely benign. Last evaluated: 2024-01-01. Review status: criteria provided, single submitter. Criteria: CeGaT Center For Human Genetics Tuebingen Variant Classification Criteria Version 2. Collection method: clinical testing. Allele origin: germline. Affected: yes. Observed: 1 variant allele.
Comment: POM121L7P: BP4, BP7